The following is an entry in ClinVar:

NM_001375808.2(LPIN2):c.2649G>A (p.Trp883Ter)

Gene: LPIN2 (lipin 2; minus strand). Cytogenetic location: 18p11.31.
Variant type: single nucleotide variant.
Coding change: c.2649G>A on transcript NM_001375808.2 (MANE Select); coding-DNA position 2649, G replaced by A.
Protein change: p.Trp883Ter; replaces tryptophan 883 with a stop codon.
Molecular consequence: nonsense.
Genome position (GRCh38, 1-based): chr18:2,920,335, C>T on the plus strand (G>A on the coding strand, the complement: LPIN2 is on the minus strand). VCF-style: chr18-2920335-C-T. GRCh37 (hg19) VCF-style: chr18-2920333-C-T.
Other names: c.2649G>A, p.Trp883Ter (NM_001375809.1, NM_014646.2); short protein forms W883*.
Identifiers: ClinVar variation 2012730 (VCV002012730.2), dbSNP rs2510238402, ClinGen allele CA401693762.
Genomic context (GRCh38, chr18:2,920,335, plus strand): 5'-ACCCACTGAGGTGCCGCCTCAAGACAGGTCATCCAGGTCCACTTCAGGGATCGGGTCTCG[C>T]CAGTAGCAGAAGGAGCTGAACTCCGGGCAGGGAAAAGCGGAATTCTGCTCCTTACTGAGA-3'

ClinVar aggregate classification (germline): Uncertain significance (1 of 4 stars; one submission).

Conditions:
Majeed syndrome (MJDS). Also called: LPIN2-Related Majeed Syndrome; CHRONIC RECURRENT MULTIFOCAL OSTEOMYELITIS 1, WITH CONGENITAL DYSERYTHROPOIETIC ANEMIA, WITH OR WITHOUT NEUTROPHILIC DERMATOSIS. Identifiers: Orphanet 77297, MedGen C1864997, MONDO:0012316, OMIM 609628.

Submission:

Labcorp Genetics (formerly Invitae), Labcorp
Classification: Uncertain significance for Majeed syndrome. Last evaluated: 2022-07-01. Review status: criteria provided, single submitter. Criteria: Invitae Variant Classification Sherloc (09022015). Collection method: clinical testing. Allele origin: germline.
Comment: In summary, the available evidence is currently insufficient to determine the role of this variant in disease. Therefore, it has been classified as a Variant of Uncertain Significance. Experimental studies and prediction algorithms are not available or were not evaluated, and the functional significance of this variant is currently unknown. This variant has not been reported in the literature in individuals affected with LPIN2-related conditions. This variant is not present in population databases (gnomAD no frequency). This sequence change creates a premature translational stop signal (p.Trp883*) in the LPIN2 gene. While this is not anticipated to result in nonsense mediated decay, it is expected to disrupt the last 14 amino acid(s) of the LPIN2 protein.